The following is an entry in ClinVar:

ClinVar aggregate classification (germline): Uncertain significance (1 of 4 stars; one submission).

Conditions:
Primary ciliary dyskinesia. Also called: Ciliary dyskinesia. Identifiers: Orphanet 244, MedGen C0008780, MONDO:0016575, HP:0012265.

Submission:

Labcorp Genetics (formerly Invitae), Labcorp
Classification: Uncertain significance for Primary ciliary dyskinesia. Last evaluated: 2022-06-10. Review status: criteria provided, single submitter. Criteria: Invitae Variant Classification Sherloc (09022015). Collection method: clinical testing. Allele origin: germline.
Comment: In summary, the available evidence is currently insufficient to determine the role of this variant in disease. Therefore, it has been classified as a Variant of Uncertain Significance. Algorithms developed to predict the effect of missense changes on protein structure and function output the following: SIFT: "Tolerated"; PolyPhen-2: "Benign"; Align-GVGD: "Class C0". The glycine amino acid residue is found in multiple mammalian species, which suggests that this missense change does not adversely affect protein function. This variant has not been reported in the literature in individuals affected with DNAAF5-related conditions. This variant is not present in population databases (gnomAD no frequency). This sequence change replaces serine, which is neutral and polar, with glycine, which is neutral and non-polar, at codon 186 of the DNAAF5 protein (p.Ser186Gly).

NM_017802.4(DNAAF5):c.556A>G (p.Ser186Gly)

Genes: DNAAF5 (dynein axonemal assembly factor 5; plus strand), PRKAR1B (protein kinase cAMP-dependent type I regulatory subunit beta; minus strand). Cytogenetic location: 7p22.3.
Variant type: single nucleotide variant.
Coding change: c.556A>G on transcript NM_017802.4 (MANE Select); coding-DNA position 556, A replaced by G.
Protein change: p.Ser186Gly; replaces serine 186 with glycine.
Molecular consequence: missense variant. On other transcripts: non-coding transcript variant (1), 5 prime UTR variant (1), intron variant (2).
Genome position (GRCh38, 1-based): chr7:727,276, A>G. VCF-style: chr7-727276-A-G. GRCh37 (hg19) VCF-style: chr7-766913-A-G.
Other names: c.-89T>C (NM_001164760.2); c.-23+379T>C (NM_001164759.1); c.-23+314T>C (NM_001164758.2); short protein forms S186G.
Identifiers: ClinVar variation 1996032 (VCV001996032.4), dbSNP rs2484006839, ClinGen allele CA366531067.